The following is an entry in ClinVar:

ClinVar aggregate classification (germline): Uncertain significance (1 of 4 stars; one submission).

Allele frequency attached by ClinVar (database versions not stated): gnomAD exomes 0.00001; ExAC 0.00002; TOPMed 0.00005; gnomAD 0.00006; ESP Exome Variant Server 0.00015.
gnomAD v4.1: 18 of 1,613,820 alleles (0.0011%); highest among the groups gnomAD compares: African/African-American, 0.021%; no homozygotes.

Submission:

Labcorp Genetics (formerly Invitae), Labcorp
Classification: Uncertain significance. Last evaluated: 2025-01-20. Review status: criteria provided, single submitter. Criteria: Invitae Variant Classification Sherloc (09022015). Collection method: clinical testing. Allele origin: germline.
Comment: This sequence change replaces methionine, which is neutral and non-polar, with valine, which is neutral and non-polar, at codon 650 of the POLR3A protein (p.Met650Val). This variant is present in population databases (rs145211567, gnomAD 0.02%). This variant has not been reported in the literature in individuals affected with POLR3A-related conditions. ClinVar contains an entry for this variant (Variation ID: 1463804). Invitae Evidence Modeling of protein sequence and biophysical properties (such as structural, functional, and spatial information, amino acid conservation, physicochemical variation, residue mobility, and thermodynamic stability) indicates that this missense variant is not expected to disrupt POLR3A protein function with a negative predictive value of 80%. In summary, the available evidence is currently insufficient to determine the role of this variant in disease. Therefore, it has been classified as a Variant of Uncertain Significance.

NM_007055.4(POLR3A):c.1948A>G (p.Met650Val)

Gene: POLR3A (RNA polymerase III subunit A; minus strand). Cytogenetic location: 10q22.3.
Variant type: single nucleotide variant.
Coding change: c.1948A>G on transcript NM_007055.4 (MANE Select); coding-DNA position 1948, A replaced by G.
Protein change: p.Met650Val; replaces methionine 650 with valine.
Molecular consequence: missense variant.
Genome position (GRCh38, 1-based): chr10:78,007,828, T>C on the plus strand (A>G on the coding strand, the complement: POLR3A is on the minus strand). VCF-style: chr10-78007828-T-C. GRCh37 (hg19) VCF-style: chr10-79767586-T-C.
Other names: short protein forms M650V.
Identifiers: ClinVar variation 1463804 (VCV001463804.6), dbSNP rs145211567, ClinGen allele CA5571265.